The following is an entry in ClinVar:

ClinVar aggregate classification (germline): Benign (0 of 4 stars; one submission).

Conditions:
COL15A1-related disorder. Also called: COL15A1-related condition.

Allele frequency attached by ClinVar (database versions not stated): gnomAD exomes 0.00042; ExAC 0.00148; 1000 Genomes Project 0.00699; 1000 Genomes Project 30x 0.00781; gnomAD 0.00444; ESP Exome Variant Server 0.00477; TOPMed 0.00490.
gnomAD v4.1: 1,302 of 1,613,286 alleles (0.081%); highest among the groups gnomAD compares: African/African-American, 1.5%; 11 homozygotes.

Submission:

PreventionGenetics, part of Exact Sciences
Classification: Benign for COL15A1-related condition. Last evaluated: 2019-06-07. Review status: no assertion criteria provided. Collection method: clinical testing. Allele origin: germline.
Comment: This variant is classified as benign based on ACMG/AMP sequence variant interpretation guidelines (Richards et al. 2015 PMID: 25741868, with internal and published modifications).

NM_001855.5(COL15A1):c.670G>A (p.Val224Met)

Gene: COL15A1 (collagen type XV alpha 1 chain; plus strand). Cytogenetic location: 9q22.33.
Variant type: single nucleotide variant.
Coding change: c.670G>A on transcript NM_001855.5 (MANE Select); coding-DNA position 670, G replaced by A.
Protein change: p.Val224Met; replaces valine 224 with methionine.
Molecular consequence: missense variant.
Genome position (GRCh38, 1-based): chr9:98,987,315, G>A. VCF-style: chr9-98987315-G-A. GRCh37 (hg19) VCF-style: chr9-101749597-G-A.
Other names: short protein forms V224M.
Identifiers: ClinVar variation 3043766 (VCV003043766.2), dbSNP rs113628613, ClinGen allele CA5154619.